The following is an entry in ClinVar:

ClinVar aggregate classification (germline): Pathogenic. Review status: criteria provided, multiple submitters, no conflicts (2 of 4 stars). 3 submissions from 3 submitters: Pathogenic (2). 1 of the submissions does not count toward it. Last evaluated 2025-03-20.

Conditions:
Lipase deficiency, combined. Also called: LIPOPROTEIN LIPASE DEFICIENCY WITH HEPATIC TRIGLYCERIDE LIPASE DEFICIENCY; LPL AND HL DEFICIENCY; LPL AND HTGL DEFICIENCY. Identifiers: Orphanet 535453, MedGen C1855498, MONDO:0009527, OMIM 246650.

Allele frequency attached by ClinVar (database versions not stated): TOPMed below 0.00001 and 0.00001; gnomAD 0.00001; ExAC 0.00003; gnomAD exomes 0.00003 and 0.00005.

Submissions (3):

First Genomix Gene Laboratory, Genetic Diagnostics Department
Classification: Pathogenic for Lipase deficiency, combined. Last evaluated: 2025-03-20. Review status: criteria provided, single submitter. Criteria: ACMG Guidelines, 2015. Collection method: clinical testing. Allele origin: germline. Inheritance: Autosomal recessive inheritance. Affected: no. Observed: 1 variant allele.

Labcorp Genetics (formerly Invitae), Labcorp
Classification: Pathogenic. Last evaluated: 2023-11-10. Review status: criteria provided, single submitter. Criteria: Invitae Variant Classification Sherloc (09022015). Collection method: clinical testing. Allele origin: germline.
Comment: This sequence change creates a premature translational stop signal (p.Arg82Glyfs*81) in the LMF1 gene. It is expected to result in an absent or disrupted protein product. Loss-of-function variants in LMF1 are known to be pathogenic (PMID: 17994020, 19820022, 22239554). This variant is present in population databases (rs759547196, gnomAD 0.04%). This premature translational stop signal has been observed in individual(s) with clinical features of dyslipidemia (PMID: 32041611). For these reasons, this variant has been classified as Pathogenic.

Cardiovascular Genetics Laboratory, PathWest Laboratory Medicine WA - Fiona Stanley Hospital
Classification: Likely pathogenic for Lipase deficiency, combined. Last evaluated: 2023-09-11. Review status: no assertion criteria provided. Criteria: ACMG Guidelines, 2015. Collection method: clinical testing. Allele origin: germline. Affected: yes. Not counted in ClinVar's aggregate classification.

Literature cited by the submitters: PubMed 17994020 (cited by Labcorp Genetics (formerly Invitae), Labcorp); PubMed 19820022 (cited by Labcorp Genetics (formerly Invitae), Labcorp); PubMed 22239554 (cited by Labcorp Genetics (formerly Invitae), Labcorp); PubMed 32041611 (cited by Labcorp Genetics (formerly Invitae), Labcorp).

NM_022773.4(LMF1):c.244_245del (p.Arg82fs)

Gene: LMF1 (lipase maturation factor 1; minus strand). Cytogenetic location: 16p13.3.
Variant type: Deletion.
Coding change: c.244_245del on transcript NM_022773.4 (MANE Select); coding-DNA positions 244 to 245, 2 bases deleted (AG; older notation c.244_245delAG).
Protein change: p.Arg82fs; shifts the reading frame from arginine 82.
Molecular consequence: frameshift variant. On other transcripts: 5 prime UTR variant (4), non-coding transcript variant (1).
Genome position (GRCh38, 1-based): chr16:954,615-954,616, CT deleted on the plus strand (AG on the coding strand, the reverse complement: LMF1 is on the minus strand). VCF-style (leftmost placement, unchanged base first): chr16-954614-CCT-C. GRCh37 (hg19) VCF-style: chr16-1004614-CCT-C.
Other names: c.244_245delAG (NM_022773.4); c.-560_-559del (NM_001352017.2); c.-311_-310del (NM_001352018.2); c.-84_-83del (NM_001352019.2); c.244_245del, p.Arg82fs (NM_001352020.1); c.-462_-461del (NM_001352021.2); short protein forms R82fs.
Identifiers: ClinVar variation 2961040 (VCV002961040.5), dbSNP rs759547196, ClinGen allele CA7797707.